The following is an entry in ClinVar:

ClinVar aggregate classification (germline): Pathogenic (1 of 4 stars; one submission).

Conditions:
Androgen resistance syndrome (AIS). Also called: ANDROGEN RECEPTOR DEFICIENCY; DIHYDROTESTOSTERONE RECEPTOR DEFICIENCY; Androgen insensitivity syndrome; TESTICULAR FEMINIZATION SYNDROME; Androgen insensitivity; Androgen insensitivity syndrome due to coactivator deficiency. Identifiers: Orphanet 754, Orphanet 99429, MedGen C0039585, MONDO:0019154, OMIM 300068. Disease mechanism: loss of function.
Kennedy disease (SMAX1). Also called: SPINAL AND BULBAR MUSCULAR ATROPHY, X-LINKED 1; Spinal and Bulbar Muscular Atrophy; KENNEDY SPINAL AND BULBAR MUSCULAR ATROPHY. Identifiers: Orphanet 481, MedGen C1839259, MONDO:0010735, OMIM 313200.

Submissions (2):

Labcorp Genetics (formerly Invitae), Labcorp
Classification: Pathogenic for Kennedy disease; Androgen resistance syndrome. Last evaluated: 2025-06-02. Review status: criteria provided, single submitter. Criteria: Invitae Variant Classification Sherloc (09022015). Collection method: clinical testing. Allele origin: germline.
Comment: This sequence change replaces leucine, which is neutral and non-polar, with phenylalanine, which is neutral and non-polar, at codon 701 of the AR protein (p.Leu701Phe). This variant is not present in population databases (gnomAD no frequency). This missense change has been observed in individual(s) with complete androgen insensitivity syndrome (PMID: 23774508). It has also been observed to segregate with disease in related individuals. ClinVar contains an entry for this variant (Variation ID: 458361). Invitae Evidence Modeling of protein sequence and biophysical properties (such as structural, functional, and spatial information, amino acid conservation, physicochemical variation, residue mobility, and thermodynamic stability) indicates that this missense variant is expected to disrupt AR protein function with a positive predictive value of 95%. Experimental studies have shown that this missense change affects AR function (PMID: 20007693, 23774508). For these reasons, this variant has been classified as Pathogenic.

Dr. Peter K. Rogan Lab, Western University
No classification provided (evidence only). Condition: Nonpapillary renal cell carcinoma. Review status: no classification provided. Collection method: in vitro. Allele origin: not applicable. Functional consequence: retained intron. Not counted in ClinVar's aggregate classification.

Literature cited by the submitters: PubMed 23774508 (cited by Labcorp Genetics (formerly Invitae), Labcorp); PubMed 20007693 (cited by Labcorp Genetics (formerly Invitae), Labcorp).

NM_000044.6(AR):c.2103G>T (p.Leu701Phe)

Gene: AR (androgen receptor; plus strand). Cytogenetic location: Xq12.
Variant type: single nucleotide variant.
Coding change: c.2103G>T on transcript NM_000044.6 (MANE Select); coding-DNA position 2103, G replaced by T.
Protein change: p.Leu701Phe; replaces leucine 701 with phenylalanine.
Molecular consequence: missense variant.
Genome position (GRCh38, 1-based): chrX:67,711,619, G>T. VCF-style: chrX-67711619-G-T. GRCh37 (hg19) VCF-style: chrX-66931461-G-T.
Other names: c.507G>T, p.Leu169Phe (NM_001011645.3); short protein forms L701F, L169F.
Identifiers: ClinVar variation 458361 (VCV000458361.10), dbSNP rs1555995848, ClinGen allele CA413423421.